The following is an entry in ClinVar:

ClinVar aggregate classification (germline): Benign/Likely benign. Review status: criteria provided, multiple submitters, no conflicts (2 of 4 stars). 2 submissions from 2 submitters: Benign (1); Likely benign (1). Last evaluated 2018-09-26.

Conditions:
Cerebellar ataxia, impaired intellectual development, and dysequilibrium syndrome 1. Also called: Cerebellar hypoplasia and mental retardation with or without quadrupedal locomotion 1; Cerebellar ataxia, mental retardation, and dysequilibrium syndrome 1; Cerebellar ataxia, intellectual disability, and dysequilibrium syndrome 1; VLDLR Cerebellar Hypoplasia; CEREBELLAR ATAXIA AND MENTAL RETARDATION WITH OR WITHOUT QUADRUPEDAL LOCOMOTION 1; CEREBELLAR ATAXIA, CONGENITAL, AND MENTAL RETARDATION, AUTOSOMAL RECESSIVE. Identifiers: Orphanet 1766, MedGen C4551552, MONDO:0024542, OMIM 224050.

Allele frequency attached by ClinVar (database versions not stated): TOPMed 0.01063; 1000 Genomes Project 30x 0.00671; 1000 Genomes Project 0.00779.
gnomAD v4.1: 16,747 of 1,074,310 alleles (1.6%); highest among the groups gnomAD compares: Non-Finnish European, 1.8%; 224 homozygotes.

Submissions (2):

GeneDx
Classification: Likely benign. Last evaluated: 2018-09-26. Review status: criteria provided, single submitter. Criteria: GeneDx Variant Classification Process June 2021. Collection method: clinical testing. Allele origin: germline. Affected: yes.

Illumina Laboratory Services, Illumina
Classification: Benign for Cerebellar ataxia, impaired intellectual development, and dysequilibrium syndrome 1. Last evaluated: 2018-01-13. Review status: criteria provided, single submitter. Criteria: ICSL Variant Classification Criteria 13 December 2019. Collection method: clinical testing. Allele origin: germline.
Comment: This variant was observed in the ICSL laboratory as part of a predisposition screen in an ostensibly healthy population. It had not been previously curated by ICSL or reported in the Human Gene Mutation Database (HGMD: prior to June 1st, 2018), and was therefore a candidate for classification through an automated scoring system. Utilizing variant allele frequency, disease prevalence and penetrance estimates, and inheritance mode, an automated score was calculated to assess if this variant is too frequent to cause the disease. Based on the score and internal cut-off values, a variant classified as benign is not then subjected to further curation. The score for this variant resulted in a classification of benign for this disease.

NM_003383.5(VLDLR):c.-113C>G

Genes: VLDLR (very low density lipoprotein receptor; plus strand), VLDLR-AS1 (VLDLR antisense RNA 1; minus strand). Cytogenetic location: 9p24.2.
Variant type: single nucleotide variant.
Coding change: c.-113C>G on transcript NM_003383.5 (MANE Select); 113 bases upstream of the start codon, C replaced by G.
Molecular consequence: 5 prime UTR variant.
Genome position (GRCh38, 1-based): chr9:2,622,077, C>G. VCF-style: chr9-2622077-C-G. GRCh37 (hg19) VCF-style: chr9-2622077-C-G.
Other names: c.-113C>G (NM_001018056.3, NM_001322225.2, NM_001322226.2).
Identifiers: ClinVar variation 366350 (VCV000366350.8), dbSNP rs34433332, ClinGen allele CA10627117.